The following is an entry in ClinVar:

NM_004523.4(KIF11):c.644A>G (p.Glu215Gly)

Gene: KIF11 (kinesin family member 11; plus strand). Cytogenetic location: 10q23.33.
Variant type: single nucleotide variant.
Coding change: c.644A>G on transcript NM_004523.4 (MANE Select); coding-DNA position 644, A replaced by G.
Protein change: p.Glu215Gly; replaces glutamic acid 215 with glycine.
Molecular consequence: missense variant.
Genome position (GRCh38, 1-based): chr10:92,609,455, A>G. VCF-style: chr10-92609455-A-G. GRCh37 (hg19) VCF-style: chr10-94369212-A-G.
Other names: short protein forms E215G.
Identifiers: ClinVar variation 2766129 (VCV002766129.3), dbSNP rs1013691656, ClinGen allele CA211495564.
Genomic context (GRCh38, chr10:92,609,455, plus strand): 5'-TAATTAAAGGTTTAGAAGAAATTACAGTACACAACAAGGATGAAGTCTATCAAATTTTAG[A>G]AAAGGGGGCAGCAAAAAGGACAACTGCAGCTACTCTGATGAATGCATACTCTAGGTAAGA-3'
Protein context (NP_004514.2, residues 205-225): HNKDEVYQIL[Glu215Gly]KGAAKRTTAA

ClinVar aggregate classification (germline): Uncertain significance (1 of 4 stars; one submission).

Allele frequency attached by ClinVar (database versions not stated): gnomAD 0.00001; TOPMed 0.00001.
gnomAD v4.1: 1 of 1,613,792 alleles (0.000062%); highest among the groups gnomAD compares: Non-Finnish European, 0.000085%; no homozygotes.

Submission:

Labcorp Genetics (formerly Invitae), Labcorp
Classification: Uncertain significance. Last evaluated: 2023-10-05. Review status: criteria provided, single submitter. Criteria: Invitae Variant Classification Sherloc (09022015). Collection method: clinical testing. Allele origin: germline.
Comment: This sequence change replaces glutamic acid, which is acidic and polar, with glycine, which is neutral and non-polar, at codon 215 of the KIF11 protein (p.Glu215Gly). This variant is not present in population databases (gnomAD no frequency). This variant has not been reported in the literature in individuals affected with KIF11-related conditions. Advanced modeling of protein sequence and biophysical properties (such as structural, functional, and spatial information, amino acid conservation, physicochemical variation, residue mobility, and thermodynamic stability) performed at Invitae indicates that this missense variant is expected to disrupt KIF11 protein function. In summary, the available evidence is currently insufficient to determine the role of this variant in disease. Therefore, it has been classified as a Variant of Uncertain Significance.